The following is an entry in ClinVar:

ClinVar aggregate classification (germline): Uncertain significance (1 of 4 stars; one submission).

gnomAD v4.1: 39 of 1,614,232 alleles (0.0024%); highest among the groups gnomAD compares: Non-Finnish European, 0.0029%; no homozygotes.

Submission:

Labcorp Genetics (formerly Invitae), Labcorp
Classification: Uncertain significance. Last evaluated: 2025-08-27. Review status: criteria provided, single submitter. Criteria: Invitae Variant Classification Sherloc (09022015). Collection method: clinical testing. Allele origin: germline.
Comment: This sequence change replaces alanine, which is neutral and non-polar, with glycine, which is neutral and non-polar, at codon 195 of the CDC6 protein (p.Ala195Gly). This variant is present in population databases (no rsID available, gnomAD 0.0009%). This variant has not been reported in the literature in individuals affected with CDC6-related conditions. ClinVar contains an entry for this variant (Variation ID: 3608177). An algorithm developed to predict the effect of missense changes on protein structure and function (PolyPhen-2) suggests that this variant is likely to be tolerated. In summary, the available evidence is currently insufficient to determine the role of this variant in disease. Therefore, it has been classified as a Variant of Uncertain Significance.

NM_001254.4(CDC6):c.584C>G (p.Ala195Gly)

Gene: CDC6 (cell division cycle 6; plus strand). Cytogenetic location: 17q21.2.
Variant type: single nucleotide variant.
Coding change: c.584C>G on transcript NM_001254.4 (MANE Select); coding-DNA position 584, C replaced by G.
Protein change: p.Ala195Gly; replaces alanine 195 with glycine.
Molecular consequence: missense variant.
Genome position (GRCh38, 1-based): chr17:40,291,592, C>G. VCF-style: chr17-40291592-C-G. GRCh37 (hg19) VCF-style: chr17-38447844-C-G.
Other names: short protein forms A195G.
Identifiers: ClinVar variation 3608177 (VCV003608177.2).